The following is an entry in ClinVar:

ClinVar aggregate classification (germline): Uncertain significance (1 of 4 stars; one submission).

Submission:

Labcorp Genetics (formerly Invitae), Labcorp
Classification: Uncertain significance. Last evaluated: 2025-05-12. Review status: criteria provided, single submitter. Criteria: Invitae Variant Classification Sherloc (09022015). Collection method: clinical testing. Allele origin: germline.
Comment: This sequence change replaces arginine, which is basic and polar, with lysine, which is basic and polar, at codon 2281 of the SPEG protein (p.Arg2281Lys). This variant is not present in population databases (gnomAD no frequency). This variant has not been reported in the literature in individuals affected with SPEG-related conditions. ClinVar contains an entry for this variant (Variation ID: 2086985). An algorithm developed to predict the effect of missense changes on protein structure and function outputs the following: PolyPhen-2: "Benign". The lysine amino acid residue is found in multiple mammalian species, which suggests that this missense change does not adversely affect protein function. In summary, the available evidence is currently insufficient to determine the role of this variant in disease. Therefore, it has been classified as a Variant of Uncertain Significance.

NM_005876.5(SPEG):c.6842G>A (p.Arg2281Lys)

Genes: ASIC4-AS1 (ASIC4 antisense RNA 1; minus strand), SPEG (striated muscle enriched protein kinase; plus strand). Cytogenetic location: 2q35.
Variant type: single nucleotide variant.
Coding change: c.6842G>A on transcript NM_005876.5 (MANE Select); coding-DNA position 6842, G replaced by A.
Protein change: p.Arg2281Lys; replaces arginine 2281 with lysine.
Molecular consequence: missense variant.
Genome position (GRCh38, 1-based): chr2:219,484,305, G>A. VCF-style: chr2-219484305-G-A. GRCh37 (hg19) VCF-style: chr2-220349027-G-A.
Other names: short protein forms R2281K.
Identifiers: ClinVar variation 2086985 (VCV002086985.4), dbSNP rs2545940040, ClinGen allele CA350699818.
Genomic context (GRCh38, chr2:219,484,305, plus strand): 5'-CCTCGCAGGGCCCTGCCGCGCCGCCTTCAGAGCCCAAGCCCCACGCTGCTGTCTTTGCCA[G>A]GGTGGCCTCCCCACCTCCGGGAGCCCCCGAGAAGCGCGTGCCCTCAGCCGGGGGTCCCCC-3'
Protein context (NP_005867.3, residues 2271-2291): EPKPHAAVFA[Arg2281Lys]VASPPPGAPE